The following is an entry in ClinVar:

ClinVar aggregate classification (germline): Conflicting classifications of pathogenicity. Review status: criteria provided, conflicting classifications (1 of 4 stars). 4 submissions from 4 submitters: Uncertain significance (3); Benign (1). Last evaluated 2024-11-01.

Conditions:
Tuberous sclerosis syndrome (TSC). Also called: Tuberous Sclerosis Complex; Tuberous sclerosis. Identifiers: Orphanet 805, MedGen C0041341, MONDO:0001734.
Hereditary cancer-predisposing syndrome. Also called: Hereditary Cancer Syndrome; Tumor predisposition; Neoplastic Syndromes, Hereditary; Hereditary neoplastic syndrome. Identifiers: Orphanet 140162, MedGen C0027672, MeSH D009386, MONDO:0015356.
Tuberous sclerosis 2 (TSC2). Identifiers: Orphanet 805, MedGen C1860707, MONDO:0013199, OMIM 613254.

Allele frequency attached by ClinVar (database versions not stated): gnomAD exomes below 0.00001 and 0.00001; ExAC 0.00001.
gnomAD v4.1: 2 of 1,613,980 alleles (0.00012%); highest among the groups gnomAD compares: South Asian, 0.0022%; no homozygotes.

Submissions (4):

CeGaT Center for Human Genetics Tuebingen
Classification: Uncertain significance. Last evaluated: 2024-11-01. Review status: criteria provided, single submitter. Criteria: CeGaT Center For Human Genetics Tuebingen Variant Classification Criteria Version 2. Collection method: clinical testing. Allele origin: germline. Affected: yes. Observed: 1 variant allele.
Comment: TSC2: PM2, BP4

Ambry Genetics
Classification: Uncertain significance for Hereditary cancer-predisposing syndrome. Last evaluated: 2024-09-23. Review status: criteria provided, single submitter. Criteria: Ambry Variant Classification Scheme 2023. Collection method: clinical testing. Allele origin: germline.
Comment: The p.V67I variant (also known as c.199G>A), located in coding exon 2 of the TSC2 gene, results from a G to A substitution at nucleotide position 199. The valine at codon 67 is replaced by isoleucine, an amino acid with highly similar properties. This amino acid position is not well conserved in available vertebrate species. In addition, this alteration is predicted to be tolerated by in silico analysis. Based on the available evidence, the clinical significance of this variant remains unclear.

All of Us Research Program, National Institutes of Health
Classification: Uncertain significance for Tuberous sclerosis syndrome. Last evaluated: 2023-10-02. Review status: criteria provided, single submitter. Criteria: ACMG Guidelines, 2015. Collection method: clinical testing. Allele origin: germline. Inheritance: Autosomal dominant inheritance. Observed: 1 variant allele, 1 heterozygote.
Comment: This missense variant replaces valine with isoleucine at codon 67 of the TSC2 protein. Computational prediction suggests that this variant may not impact protein structure and function (internally defined REVEL score threshold <= 0.5, PMID: 27666373). To our knowledge, functional studies have not been reported for this variant. This variant has been reported in an individual affected with autism spectrum disorder in the literature (PMID: 30763456). This variant has been identified in 2/251106 chromosomes in the general population by the Genome Aggregation Database (gnomAD). The available evidence is insufficient to determine the role of this variant in disease conclusively. Therefore, this variant is classified as a Variant of Uncertain Significance.

This study involves interpretation of variants in research participants for the purpose of population health screening. Participant phenotype was not available at the time of variant classification. Additional details can be found in publication PMID: 35346344, PMCID: PMC8962531

Labcorp Genetics (formerly Invitae), Labcorp
Classification: Benign for Tuberous sclerosis 2. Last evaluated: 2023-07-07. Review status: criteria provided, single submitter. Criteria: Invitae Variant Classification Sherloc (09022015). Collection method: clinical testing. Allele origin: germline.

Literature cited by the submitters: PubMed 30763456 (cited by All of Us Research Program, National Institutes of Health).

NM_000548.5(TSC2):c.199G>A (p.Val67Ile)

Gene: TSC2 (TSC complex subunit 2; plus strand). Cytogenetic location: 16p13.3.
Variant type: single nucleotide variant.
Coding change: c.199G>A on transcript NM_000548.5 (MANE Select); coding-DNA position 199, G replaced by A.
Protein change: p.Val67Ile; replaces valine 67 with isoleucine.
Molecular consequence: missense variant. On other transcripts: 5 prime UTR variant (1).
Genome position (GRCh38, 1-based): chr16:2,050,460, G>A. VCF-style: chr16-2050460-G-A. GRCh37 (hg19) VCF-style: chr16-2100461-G-A.
Other names: c.199G>A, p.Val67Ile (NM_001077183.3, NM_001114382.3, NM_001318827.2 and 4 more transcripts); c.52G>A, p.Val18Ile (NM_001318829.2); c.-28G>A (NM_001318831.2); c.232G>A, p.Val78Ile (NM_001318832.2); short protein forms V67I, V18I, V78I.
Identifiers: ClinVar variation 535927 (VCV000535927.27), dbSNP rs774506901, ClinGen allele CA035477.
Genomic context (GRCh38, chr16:2,050,460, plus strand): 5'-GAACTGAGCATGGAATGTGGCCTCAACAATCGCATCCGGATGATAGGGCAGATTTGTGAA[G>A]TCGCAAAAACCAAGAAATTTGAAGAGGTAGGTTTATCCAGTTGAGCTACTAGAGAGAGGC-3'
Protein context (NP_000539.2, residues 57-77): RIRMIGQICE[Val67Ile]AKTKKFEEHA